The following is an entry in ClinVar:

NC_000019.9:g.(?_42363988)_(42385047_?)dup

Genes: CD79A (CD79a molecule; plus strand), RPS19 (ribosomal protein S19; plus strand). Cytogenetic location: 19q13.2.
Variant type: Duplication.
Identifiers: ClinVar variation 2424235 (VCV002424235.3).

ClinVar aggregate classification (germline): Uncertain significance (1 of 4 stars; one submission).

Conditions:
Agammaglobulinemia 3, autosomal recessive (AGM3). Also called: AGAMMAGLOBULINEMIA 3; AGAMMAGLOBULINEMIA, AUTOSOMAL RECESSIVE, DUE TO CD79A DEFECT. Identifiers: MedGen C3150751, MONDO:0013288, OMIM 613501.

Submission:

Labcorp Genetics (formerly Invitae), Labcorp
Classification: Uncertain significance for Agammaglobulinemia 3, autosomal recessive. Last evaluated: 2022-09-27. Review status: criteria provided, single submitter. Criteria: Invitae Variant Classification Sherloc (09022015). Collection method: clinical testing. Allele origin: germline.
Comment: A copy number gain of the genomic region encompassing the full coding sequence of the CD79A gene has been identified. The boundaries of this event are unknown as they extend beyond the assayed region for this gene and therefore may encompass additional genes. As the precise location of this event is unknown, it may be in tandem or it may be located elsewhere in the genome. This variant has not been reported in the literature in individuals affected with CD79A-related conditions. In summary, the available evidence is currently insufficient to determine the role of this variant in disease. Therefore, it has been classified as a Variant of Uncertain Significance.